The following is an entry in ClinVar:

NM_001312909.2(FAM111A):c.828A>G (p.Ala276=)

Gene: FAM111A (FAM111 trypsin like peptidase A; plus strand). Cytogenetic location: 11q12.1.
Variant type: single nucleotide variant.
Coding change: c.828A>G on transcript NM_001312909.2 (MANE Select); coding-DNA position 828, A replaced by G.
Protein change: p.Ala276=; no amino-acid change (alanine 276 retained).
Molecular consequence: synonymous variant.
Genome position (GRCh38, 1-based): chr11:59,152,496, A>G. VCF-style: chr11-59152496-A-G. GRCh37 (hg19) VCF-style: chr11-58919969-A-G.
Other names: c.828A>G, p.Ala276= (NM_001142519.3, NM_001142520.3, NM_001142521.3 and 29 more transcripts).
Identifiers: ClinVar variation 435118 (VCV000435118.18), dbSNP rs149943652, ClinGen allele CA6016654.

ClinVar aggregate classification (germline): Benign/Likely benign. Review status: criteria provided, multiple submitters, no conflicts (2 of 4 stars). 5 submissions from 5 submitters: Benign (3); Likely benign (1). 1 of the submissions does not count toward it. Last evaluated 2026-01-05.

Conditions:
FAM111A-related disorder. Also called: FAM111A-related condition.

Allele frequency attached by ClinVar (database versions not stated): gnomAD exomes 0.00011 and 0.00031; ExAC 0.00035; 1000 Genomes Project 30x 0.00094; 1000 Genomes Project 0.00100; ESP Exome Variant Server 0.00131; gnomAD 0.00135 and 0.00141; TOPMed 0.00148.
gnomAD v4.1: 364 of 1,614,138 alleles (0.023%); highest among the groups gnomAD compares: African/African-American, 0.44%; 1 homozygote.

Submissions (5):

Labcorp Genetics (formerly Invitae), Labcorp
Classification: Benign. Last evaluated: 2026-01-05. Review status: criteria provided, single submitter. Criteria: Invitae Variant Classification Sherloc (09022015). Collection method: clinical testing. Allele origin: germline.

Blueprint Genetics
Classification: Likely benign. Last evaluated: 2024-10-18. Review status: criteria provided, single submitter. Criteria: ACMG Guidelines, 2015. Collection method: clinical testing. Allele origin: germline.

Genetic Services Laboratory, University of Chicago
Classification: Benign. Last evaluated: 2017-06-07. Review status: criteria provided, single submitter. Criteria: ACMG Guidelines, 2015. Collection method: clinical testing. Allele origin: germline. Affected: no.

Breakthrough Genomics
Classification: Benign. Review status: criteria provided, single submitter. Criteria: ACMG Guidelines, 2015. Collection method: not provided. Allele origin: germline. Inheritance: Autosomal dominant inheritance. Affected: yes.

PreventionGenetics, part of Exact Sciences
Classification: Benign for FAM111A-related condition. Last evaluated: 2019-08-02. Review status: no assertion criteria provided. Collection method: clinical testing. Allele origin: germline. Not counted in ClinVar's aggregate classification.
Comment: This variant is classified as benign based on ACMG/AMP sequence variant interpretation guidelines (Richards et al. 2015 PMID: 25741868, with internal and published modifications).